The following is an entry in ClinVar:

ClinVar aggregate classification (germline): Uncertain significance (1 of 4 stars; one submission).

Allele frequency attached by ClinVar (database versions not stated): gnomAD exomes below 0.00001; TOPMed 0.00001; gnomAD 0.00002.
gnomAD v4.1: 9 of 1,614,008 alleles (0.00056%); highest among the groups gnomAD compares: Non-Finnish European, 0.00076%; no homozygotes.

Submission:

Labcorp Genetics (formerly Invitae), Labcorp
Classification: Uncertain significance. Last evaluated: 2021-12-28. Review status: criteria provided, single submitter. Criteria: Invitae Variant Classification Sherloc (09022015). Collection method: clinical testing. Allele origin: germline.
Comment: In summary, the available evidence is currently insufficient to determine the role of this variant in disease. Therefore, it has been classified as a Variant of Uncertain Significance. Algorithms developed to predict the effect of missense changes on protein structure and function are either unavailable or do not agree on the potential impact of this missense change (SIFT: "Tolerated"; PolyPhen-2: "Probably Damaging"; Align-GVGD: "Class C0"). This variant has not been reported in the literature in individuals affected with ATP8A2-related conditions. This variant is present in population databases (no rsID available, gnomAD 0.01%). This sequence change replaces phenylalanine, which is neutral and non-polar, with tyrosine, which is neutral and polar, at codon 1071 of the ATP8A2 protein (p.Phe1071Tyr).

NM_016529.6(ATP8A2):c.3212T>A (p.Phe1071Tyr)

Gene: ATP8A2 (ATPase phospholipid transporting 8A2). Cytogenetic location: 13q12.13.
Variant type: single nucleotide variant.
Coding change: c.3212T>A on transcript NM_016529.6 (MANE Select); coding-DNA position 3212, T replaced by A.
Protein change: p.Phe1071Tyr; replaces phenylalanine 1071 with tyrosine.
Molecular consequence: missense variant.
Genome position (GRCh38, 1-based): chr13:25,961,603, T>A. VCF-style: chr13-25961603-T-A. GRCh37 (hg19) VCF-style: chr13-26535741-T-A.
Other names: c.3017T>A, p.Phe1006Tyr (NM_001313741.1); c.3137T>A, p.Phe1046Tyr (NM_001411005.1); short protein forms F1071Y, F1046Y, F1006Y.
Identifiers: ClinVar variation 1907184 (VCV001907184.5), dbSNP rs1193228535, ClinGen allele CA387616395.